The following is an entry in ClinVar:

ClinVar aggregate classification (germline): Uncertain significance. Review status: criteria provided, multiple submitters, no conflicts (2 of 4 stars). 2 submissions from 2 submitters: Uncertain significance (2). Last evaluated 2024-08-16.

gnomAD v4.1: 4 of 1,614,158 alleles (0.00025%); highest among the groups gnomAD compares: African/African-American, 0.0013%; no homozygotes.

Submissions (2):

GeneDx
Classification: Uncertain significance. Last evaluated: 2024-08-16. Review status: criteria provided, single submitter. Criteria: GeneDx Variant Classification Process June 2021. Collection method: clinical testing. Allele origin: germline. Affected: yes.
Comment: Not observed at significant frequency in large population cohorts (gnomAD); In silico analysis supports that this missense variant has a deleterious effect on protein structure/function; Occurs in the triple helical domain at the Y position in the canonical Gly-X-Y repeat; although this variant may have an effect on normal protein folding and function, missense substitution at the Y position is not a common mechanism of disease; Has not been previously published as pathogenic or benign to our knowledge

Blueprint Genetics
Classification: Uncertain significance. Last evaluated: 2023-04-25. Review status: criteria provided, single submitter. Criteria: ACMG Guidelines, 2015. Collection method: clinical testing. Allele origin: germline.

NM_000091.5(COL4A3):c.1991C>T (p.Pro664Leu)

Genes: COL4A3 (collagen type IV alpha 3 chain; plus strand), MFF-DT (MFF divergent transcript; minus strand). Cytogenetic location: 2q36.3.
Variant type: single nucleotide variant.
Coding change: c.1991C>T on transcript NM_000091.5 (MANE Select); coding-DNA position 1991, C replaced by T.
Protein change: p.Pro664Leu; replaces proline 664 with leucine.
Molecular consequence: missense variant.
Genome position (GRCh38, 1-based): chr2:227,276,448, C>T. VCF-style: chr2-227276448-C-T. GRCh37 (hg19) VCF-style: chr2-228141164-C-T.
Other names: short protein forms P664L.
Identifiers: ClinVar variation 3731128 (VCV003731128.2).